The following is an entry in ClinVar:

ClinVar aggregate classification (germline): Uncertain significance (1 of 4 stars; one submission).

Conditions:
Muscular dystrophy-dystroglycanopathy type B6 (MDDGB6). Also called: MUSCULAR DYSTROPHY-DYSTROGLYCANOPATHY (CONGENITAL WITH IMPAIRED INTELLECTUAL DEVELOPMENT), TYPE B, 6; MUSCULAR DYSTROPHY, CONGENITAL, LARGE-RELATED; MUSCULAR DYSTROPHY, CONGENITAL, TYPE 1D. Identifiers: MedGen C1837229, MONDO:0012138, OMIM 608840.

gnomAD v4.1: 3 of 1,614,182 alleles (0.00019%); highest among the groups gnomAD compares: Non-Finnish European, 0.00025%; no homozygotes.

Submission:

Labcorp Genetics (formerly Invitae), Labcorp
Classification: Uncertain significance for Muscular dystrophy-dystroglycanopathy type B6. Last evaluated: 2026-01-12. Review status: criteria provided, single submitter. Criteria: Invitae Variant Classification Sherloc (09022015). Collection method: clinical testing. Allele origin: germline.
Comment: This sequence change replaces alanine, which is neutral and non-polar, with serine, which is neutral and polar, at codon 256 of the LARGE1 protein (p.Ala256Ser). This variant is not present in population databases (gnomAD no frequency). This variant has not been reported in the literature in individuals affected with LARGE1-related conditions. Invitae Evidence Modeling of protein sequence and biophysical properties (such as structural, functional, and spatial information, amino acid conservation, physicochemical variation, residue mobility, and thermodynamic stability) indicates that this missense variant is not expected to disrupt LARGE1 protein function with a negative predictive value of 80%. In summary, the available evidence is currently insufficient to determine the role of this variant in disease. Therefore, it has been classified as a Variant of Uncertain Significance.

NM_133642.5(LARGE1):c.766G>T (p.Ala256Ser)

Gene: LARGE1 (LARGE xylosyl- and glucuronyltransferase 1; minus strand). Cytogenetic location: 22q12.3.
Variant type: single nucleotide variant.
Coding change: c.766G>T on transcript NM_133642.5 (MANE Select); coding-DNA position 766, G replaced by T.
Protein change: p.Ala256Ser; replaces alanine 256 with serine.
Molecular consequence: missense variant.
Genome position (GRCh38, 1-based): chr22:33,564,869, C>A on the plus strand (G>T on the coding strand, the complement: LARGE1 is on the minus strand). VCF-style: chr22-33564869-C-A. GRCh37 (hg19) VCF-style: chr22-33960855-C-A.
Other names: c.766G>T, p.Ala256Ser (NM_001362949.2, NM_001362951.2, NM_001362953.2 and 7 more transcripts); c.163G>T, p.Ala55Ser (NM_001378630.1, NM_001378631.1); short protein forms A55S, A256S.
Identifiers: ClinVar variation 4705027 (VCV004705027.1).
Genomic context (GRCh38, chr22:33,564,869, plus strand): 5'-ACAAGGATATCGGGGAAAAAACGAATGGGCTACCATTACCTTTGAACTTGTGGAACACAG[C>A]CCACAGCTCTGCAATGTCAGTGGCAAAGGTGATATCCGTGTCAAGGACGATGACTCTCTC-3'
Protein context (NP_598397.1, residues 246-266): TFATDIAELW[Ala256Ser]VFHKFKGQQV